The following is an entry in ClinVar:

ClinVar aggregate classification (germline): Conflicting classifications of pathogenicity. Review status: criteria provided, conflicting classifications (1 of 4 stars). 3 submissions from 3 submitters: Uncertain significance (1); Likely benign (2). Last evaluated 2025-11-13.

Conditions:
Hereditary breast ovarian cancer syndrome. Also called: Hereditary breast and ovarian cancer syndrome; Hereditary breast and ovarian cancer syndrome (HBOC); BRCA1- and BRCA2-Associated Hereditary Breast and Ovarian Cancer; Breast and ovarian cancer; Hereditary breast and ovarian cancer; Hereditary breast and/or ovarian cancer syndrome. Identifiers: Orphanet 145, MedGen C0677776, MeSH D061325, MONDO:0003582. Disease mechanism: loss of function.
Breast-ovarian cancer, familial, susceptibility to, 1 (BROVCA1). Also called: OVARIAN CANCER, SUSCEPTIBILITY TO; BRCA1 Hereditary Breast and Ovarian Cancer. Identifiers: Orphanet 145, MedGen C2676676, MONDO:0011450, OMIM 604370. Disease mechanism: loss of function.
Hereditary cancer-predisposing syndrome. Also called: Hereditary Cancer Syndrome; Hereditary neoplastic syndrome; Tumor predisposition; Neoplastic Syndromes, Hereditary. Identifiers: Orphanet 140162, MedGen C0027672, MeSH D009386, MONDO:0015356.

Submissions (4):

Labcorp Genetics (formerly Invitae), Labcorp
Classification: Uncertain significance for Hereditary breast ovarian cancer syndrome. Last evaluated: 2025-11-13. Review status: criteria provided, single submitter. Criteria: Invitae Variant Classification Sherloc (09022015). Collection method: clinical testing. Allele origin: germline.
Comment: This sequence change replaces tyrosine, which is neutral and polar, with serine, which is neutral and polar, at codon 1716 of the BRCA1 protein (p.Tyr1716Ser). This variant is not present in population databases (gnomAD no frequency). This variant has not been reported in the literature in individuals affected with BRCA1-related conditions. ClinVar contains an entry for this variant (Variation ID: 187156). Invitae Evidence Modeling incorporating data from in vitro experimental studies (PMID: 30209399) indicates that this missense variant is not expected to disrupt BRCA1 function with a negative predictive value of 95%. Experimental studies have shown that this missense change does not substantially affect BRCA1 function (PMID: 34793697). In summary, the available evidence is currently insufficient to determine the role of this variant in disease. Therefore, it has been classified as a Variant of Uncertain Significance.

Lupski Lab, Baylor-Hopkins CMG, Baylor College of Medicine
Classification: Likely benign for Breast-ovarian cancer, familial, susceptibility to, 1. Last evaluated: 2024-04-12. Review status: criteria provided, single submitter. Criteria: Dawood et al. (medRxiv. 2024). Collection method: curation. Allele origin: germline.
Comment: Each variant was annotated with functional scores from MAVE data which was translated into functional evidence codes. All other evidence codes and combining criteria were adhered to as closely as possible based on the ClinGen VCEP (Variant Curation Expert Panel) gene-specific recommendations. See Supplemental Figure 34 of final paper (Supp Fig. 28 in preprint: doi:10.1101/2024.04.11.24305690) for a table to see which lines of evidence we did not have data for. The ClinGen VCEPs are highly regarded as the gold-standard for gene-specific variant curation and are developed after extensive evaluation of the evidence by clinical and scientific experts for the particular gene to classify genomic variants on a spectrum from pathogenic to benign using the 2015 ACMG/AMP Variant Interpretation Guidelines as a backbone (PMID: 25741868). Reclassification of these VUS variants from gnomAD or All of Us focused only on variants originally prescribed as VUS in ClinVar. To ensure reproducibility, transparency, and increased throughput, all the procedures for annotating variants and assigning evidence codes were codified using Python. All code has been made freely available and is linked in the Code Availability section and all reclassified variants with evidence codes used can be found in Tables S18-19 (preprint: doi:10.1101/2024.04.11.24305690). For the MAVE data, the clinical curation and clinical strength assignment as per the ClinGen recommendations in Brnich et al. (2020) (PMID: 31892348) for or against pathogenicity or benignity of each of these MAVE datasets utilized in this study were previously published in Fayer et al. (2021) (PMID: 34793697).In brief, for BRCA1 variants, if a variant was categorized as FUNC (functional), it was assigned BS3 evidence and no PS3 evidence, whereas if it was categorized as LOF (loss of function), the variant was assigned PS3 evidence and no BS3 evidence. Variants categorized as INT (intermediate) were left unannotated. For the BRCA1 combining criteria, greater than or equal to 1 criteria of strong benign evidence was enough to reclassify the VUS as Likely Benign. This variant GRCh38:17:43063879:T>G was assigned evidence codes ['BS3'] and an overall classification of Likely benign

Ambry Genetics
Classification: Likely benign for Hereditary cancer-predisposing syndrome. Last evaluated: 2022-08-23. Review status: criteria provided, single submitter. Criteria: Ambry Variant Classification Scheme 2023. Collection method: clinical testing. Allele origin: germline.

Brotman Baty Institute, University of Washington
No classification provided (evidence only). Condition: Breast-ovarian cancer, familial 1. Review status: no classification provided. Collection method: in vitro. Allele origin: not applicable. Functional consequence: functionally_normal. Not counted in ClinVar's aggregate classification.
ClinVar note: "not provided" was previously submitted as the classification for the variant. However, the classification appeared to be based only on an observation of functional data so it was converted to no classification on 2025-07-30.

Literature cited by the submitters: PubMed 30209399 (cited by Labcorp Genetics (formerly Invitae), Labcorp and Ambry Genetics); PubMed 34793697 (cited by Labcorp Genetics (formerly Invitae), Labcorp and Lupski Lab, Baylor-Hopkins CMG, Baylor College of Medicine); PubMed 39142283 (cited by Lupski Lab, Baylor-Hopkins CMG, Baylor College of Medicine); DOI 10.1101/2024.04.11.24305690 (cited by Lupski Lab, Baylor-Hopkins CMG, Baylor College of Medicine).

NM_007294.4(BRCA1):c.5147A>C (p.Tyr1716Ser)

Gene: BRCA1 (BRCA1 DNA repair associated; minus strand). Cytogenetic location: 17q21.31.
Variant type: single nucleotide variant.
Coding change: c.5147A>C on transcript NM_007294.4 (MANE Select); coding-DNA position 5147, A replaced by C.
Protein change: p.Tyr1716Ser; replaces tyrosine 1716 with serine.
Molecular consequence: missense variant. On other transcripts: non-coding transcript variant (1).
Genome position (GRCh38, 1-based): chr17:43,063,879, T>G on the plus strand (A>C on the coding strand, the complement: BRCA1 is on the minus strand). VCF-style: chr17-43063879-T-G. GRCh37 (hg19) VCF-style: chr17-41215896-T-G.
Other names: c.4934A>C, p.Tyr1645Ser (NM_001407571.1, NM_001407894.1, NM_001407895.1 and 12 more transcripts); c.5213A>C, p.Tyr1738Ser (NM_001407581.1, NM_001407582.1); c.5210A>C, p.Tyr1737Ser (NM_001407583.1, NM_001407585.1, NM_001407587.1 and 1 more transcripts); c.5207A>C, p.Tyr1736Ser (NM_001407590.1, NM_001407591.1); c.5147A>C, p.Tyr1716Ser (NM_001407593.1, NM_001407594.1, NM_001407596.1 and 7 more transcripts); c.5144A>C, p.Tyr1715Ser (NM_001407615.1, NM_001407616.1, NM_001407617.1 and 17 more transcripts); c.5141A>C, p.Tyr1714Ser (NM_001407634.1, NM_001407635.1, NM_001407636.1 and 14 more transcripts); c.5066A>C, p.Tyr1689Ser (NM_001407657.1, NM_001407658.1, NM_001407656.1); and 71 more; short protein forms Y1716S, Y1669S, Y1737S, Y612S, Y1587S, Y1603S, Y1627S, Y1644S.
Identifiers: ClinVar variation 187156 (VCV000187156.13), dbSNP rs587782456, ClinGen allele CA003270.